The following is an entry in ClinVar:

NM_000159.4(GCDH):c.127+1G>T

Genes: GCDH (glutaryl-CoA dehydrogenase; plus strand), LOC117125594 (CRISPRi-FlowFISH-validated KLF1 regulatory element; plus strand). Cytogenetic location: 19p13.13.
Variant type: single nucleotide variant.
Coding change: c.127+1G>T on transcript NM_000159.4 (MANE Select); the canonical splice donor site of the intron after coding-DNA position 127, G replaced by T.
Molecular consequence: splice donor variant. On other transcripts: non-coding transcript variant (1).
Genome position (GRCh38, 1-based): chr19:12,891,523, G>T. VCF-style: chr19-12891523-G-T. GRCh37 (hg19) VCF-style: chr19-13002337-G-T.
Other names: c.127+1G>T (NM_013976.5, NM_000159.3).
Identifiers: ClinVar variation 2099146 (VCV002099146.6), dbSNP rs1473339589, ClinGen allele CA404314524.

ClinVar aggregate classification (germline): Pathogenic/Likely pathogenic. Review status: criteria provided, multiple submitters, no conflicts (2 of 4 stars). 3 submissions from 3 submitters: Pathogenic (2); Likely pathogenic (1). Last evaluated 2024-11-20.

Conditions:
Glutaric aciduria, type 1. Also called: Glutaryl-CoA dehydrogenase deficiency; GA I; Glutaric acidemia type I; Glutaricaciduria, type I; Glutaricacidemia Type 1; Glutaric Acidemia Type 1. Identifiers: Orphanet 25, MedGen C0268595, MONDO:0009281, OMIM 231670.

gnomAD v4.1: 1 of 1,614,238 alleles (0.000062%); highest among the groups gnomAD compares: South Asian, 0.0011%; no homozygotes.

Submissions (3):

Natera, Inc.
Classification: Likely pathogenic for Glutaric acidemia type 1. Last evaluated: 2024-11-20. Review status: criteria provided, single submitter. Criteria: Natera Variant Classification Schema (03/2026). Collection method: clinical testing. Allele origin: germline.
Comment: The c.127+1G>T variant in GCDH is a canonical splice donor site variant predicted to affect pre-mRNA splicing, which may result in an abnormal transcript and altered protein product. This variant may result in a truncated or dysfunctional protein product. This variant is rare in the general population with a frequency below the threshold expected for the associated phenotype(s). This variant has been observed in one or more individuals affected with the associated recessive disease, as either homozygous or compound heterozygous with a second variant (PMID: 32240488). Given the available evidence, this variant is classified as Likely Pathogenic.

Baylor Genetics
Classification: Pathogenic for Glutaric aciduria, type 1. Last evaluated: 2023-08-10. Review status: criteria provided, single submitter. Criteria: ACMG Guidelines, 2015. Collection method: clinical testing. Allele origin: unknown.

Labcorp Genetics (formerly Invitae), Labcorp
Classification: Pathogenic for Glutaric aciduria, type 1. Last evaluated: 2022-09-02. Review status: criteria provided, single submitter. Criteria: Invitae Variant Classification Sherloc (09022015). Collection method: clinical testing. Allele origin: germline.
Comment: This sequence change affects a donor splice site in intron 3 of the GCDH gene. It is expected to disrupt RNA splicing. Variants that disrupt the donor or acceptor splice site typically lead to a loss of protein function (PMID: 16199547), and loss-of-function variants in GCDH are known to be pathogenic (PMID: 10699052, 11854167, 16602100). This variant is not present in population databases (gnomAD no frequency). Disruption of this splice site has been observed in individual(s) with glutaric acidemia, type I (PMID: 32240488). Algorithms developed to predict the effect of sequence changes on RNA splicing suggest that this variant may disrupt the consensus splice site. For these reasons, this variant has been classified as Pathogenic.

Literature cited by the submitters: PubMed 32240488 (cited by Natera, Inc. and Labcorp Genetics (formerly Invitae), Labcorp); PubMed 16199547 (cited by Labcorp Genetics (formerly Invitae), Labcorp); PubMed 10699052 (cited by Labcorp Genetics (formerly Invitae), Labcorp); PubMed 11854167 (cited by Labcorp Genetics (formerly Invitae), Labcorp); PubMed 16602100 (cited by Labcorp Genetics (formerly Invitae), Labcorp).